The following is an entry in ClinVar:

ClinVar aggregate classification (germline): Pathogenic. Review status: criteria provided, multiple submitters, no conflicts (2 of 4 stars). 3 submissions from 3 submitters: Pathogenic (2). 1 of the submissions does not count toward it. Last evaluated 2022-12-17.

Conditions:
Alstrom syndrome (ALMS). Identifiers: Orphanet 64, MedGen C0268425, MONDO:0008763, OMIM 203800.
Cardiovascular phenotype. Identifiers: MedGen CN230736.

Submissions (3):

Labcorp Genetics (formerly Invitae), Labcorp
Classification: Pathogenic for Alstrom syndrome. Last evaluated: 2022-12-17. Review status: criteria provided, single submitter. Criteria: Invitae Variant Classification Sherloc (09022015). Collection method: clinical testing. Allele origin: germline.
Comment: For these reasons, this variant has been classified as Pathogenic. ClinVar contains an entry for this variant (Variation ID: 557817). This variant has not been reported in the literature in individuals affected with ALMS1-related conditions. This variant is not present in population databases (gnomAD no frequency). This sequence change creates a premature translational stop signal (p.Ser919Phefs*12) in the ALMS1 gene. It is expected to result in an absent or disrupted protein product. Loss-of-function variants in ALMS1 are known to be pathogenic (PMID: 17594715).

Ambry Genetics
Classification: Pathogenic for Cardiovascular phenotype. Last evaluated: 2020-05-08. Review status: criteria provided, single submitter. Criteria: Ambry Variant Classification Scheme 2023. Collection method: clinical testing. Allele origin: germline.
Comment: The c.2755dupT variant, located in coding exon 8 of the ALMS1 gene, results from a duplication of T at nucleotide position 2755, causing a translational frameshift with a predicted alternate stop codon (p.S919Ffs*12). This alteration is expected to result in loss of function by premature protein truncation or nonsense-mediated mRNA decay. As such, this alteration is interpreted as a disease-causing mutation.

Counsyl
Classification: Likely pathogenic for Alstrom syndrome. Last evaluated: 2018-04-12. Review status: no assertion criteria provided. Collection method: clinical testing. Allele origin: unknown. Not counted in ClinVar's aggregate classification.

Literature cited by the submitters: PubMed 17594715 (cited by Labcorp Genetics (formerly Invitae), Labcorp).

NM_001378454.1(ALMS1):c.2752dup (p.Ser918fs)

Gene: ALMS1 (ALMS1 centrosome and basal body associated protein; plus strand). Cytogenetic location: 2p13.1.
Variant type: Duplication.
Coding change: c.2752dup on transcript NM_001378454.1 (MANE Select); coding-DNA position 2752, one base duplicated (T; older notation c.2752dupT).
Protein change: p.Ser918fs; shifts the reading frame from serine 918.
Molecular consequence: frameshift variant.
Genome position (GRCh38, 1-based): chr2:73,449,279, T duplicated; the last of 6 consecutive T bases (chr2:73,449,274-73,449,279); duplicating any one gives the same sequence. VCF-style (leftmost placement, unchanged base first): chr2-73449273-A-AT. GRCh37 (hg19) VCF-style: chr2-73676400-A-AT.
Other names: c.2755dup, p.Ser919fs (NM_015120.4); c.2755dupT (NM_015120.4); short protein forms S919fs, S918fs.
Identifiers: ClinVar variation 557817 (VCV000557817.7), dbSNP rs1230351650, ClinGen allele CA658823024.